The following is an entry in ClinVar:

ClinVar aggregate classification (germline): Pathogenic (1 of 4 stars; one submission).

Conditions:
Familial hypobetalipoproteinemia 1. Also called: APOB-Related Familial Hypobetalipoproteinemia; Hypobetalipoproteinemia, normotriglyceridemic; Acanthocytosis with hypobetalipoproteinemia. Identifiers: MedGen C4551990, MONDO:0014252, OMIM 615558.
Hypercholesterolemia, autosomal dominant, type B (FHCL2). Also called: APOB-Related Familial Hypercholesterolemia, Autosomal Dominant; Familial hypercholesterolemia 2; Familial Hypercholesterolemia Type B; APOLIPOPROTEIN B-100, FAMILIAL DEFECTIVE; APOLIPOPROTEIN B-100, FAMILIAL LIGAND-DEFECTIVE; HYPERCHOLESTEROLEMIA, FAMILIAL, DUE TO LIGAND-DEFECTIVE APOLIPOPROTEIN B. Identifiers: MedGen C1704417, MONDO:0007751, OMIM 144010.

Submission:

Labcorp Genetics (formerly Invitae), Labcorp
Classification: Pathogenic for Familial hypobetalipoproteinemia 1; Hypercholesterolemia, autosomal dominant, type B. Last evaluated: 2025-03-05. Review status: criteria provided, single submitter. Criteria: Invitae Variant Classification Sherloc (09022015). Collection method: clinical testing. Allele origin: germline.
Comment: This sequence change creates a premature translational stop signal (p.Asp1357Thrfs*35) in the APOB gene. It is expected to result in an absent or disrupted protein product. Loss-of-function variants in APOB are known to be pathogenic (PMID: 20032471). This variant is not present in population databases (gnomAD no frequency). This variant has not been reported in the literature in individuals affected with APOB-related conditions. Algorithms developed to predict the effect of sequence changes on RNA splicing suggest that this variant may create or strengthen a splice site. For these reasons, this variant has been classified as Pathogenic.

Literature cited by the submitters: PubMed 20032471.

NM_000384.3(APOB):c.4069del (p.Asp1357fs)

Gene: APOB (apolipoprotein B; minus strand). Cytogenetic location: 2p24.1.
Variant type: Deletion.
Coding change: c.4069del on transcript NM_000384.3 (MANE Select); coding-DNA position 4069, one base deleted (G; older notation c.4069delG).
Protein change: p.Asp1357fs; shifts the reading frame from aspartic acid 1357.
Molecular consequence: frameshift variant.
Genome position (GRCh38, 1-based): chr2:21,013,307, C deleted on the plus strand (G on the coding strand, the reverse complement: APOB is on the minus strand). VCF-style (leftmost placement, unchanged base first): chr2-21013306-TC-T. GRCh37 (hg19) VCF-style: chr2-21236178-TC-T.
Other names: short protein forms D1357fs.
Identifiers: ClinVar variation 4784355 (VCV004784355.1).